The following is an entry in ClinVar:

NM_001199138.2(NLRC4):c.2740T>C (p.Leu914=)

Gene: NLRC4 (NLR family CARD domain containing 4; minus strand). Cytogenetic location: 2p22.3.
Variant type: single nucleotide variant.
Coding change: c.2740T>C on transcript NM_001199138.2 (MANE Select); coding-DNA position 2740, T replaced by C.
Protein change: p.Leu914=; no amino-acid change (leucine 914 retained).
Molecular consequence: synonymous variant.
Genome position (GRCh38, 1-based): chr2:32,235,443, A>G on the plus strand (T>C on the coding strand, the complement: NLRC4 is on the minus strand). VCF-style: chr2-32235443-A-G. GRCh37 (hg19) VCF-style: chr2-32460512-A-G.
Other names: p.Leu914=; c.2740T>C, p.Leu914= (NM_001199139.2, NM_021209.5); c.745T>C, p.Leu249= (NM_001302504.2).
Identifiers: ClinVar variation 403238 (VCV000403238.49), dbSNP rs34716166, ClinGen allele CA1601716.
Genomic context (GRCh38, chr2:32,235,443, plus strand): 5'-CTGTATGTGTGTACCTACCTAAAATTCTAATCTCTGTATCTGTGAGTCTCCAGTTTTTCA[A>G]CCCAAGCTTGACGAGTTGTGGGACCTCCTCCAAATGTTTCAACAGGCTGCTCAGGCTGCC-3'
Protein context (NP_001186067.1, residues 904-924): EEVPQLVKLG[Leu914=]KNWRLTDTEI

ClinVar aggregate classification (germline): Benign/Likely benign. Review status: criteria provided, multiple submitters, no conflicts (2 of 4 stars). 9 submissions from 9 submitters: Benign (3); Likely benign (4). 2 of the submissions do not count toward it. Last evaluated 2026-02-01.

Conditions:
Autoinflammatory syndrome. Identifiers: Orphanet 93665, MedGen C3890737, MONDO:0019751.
Periodic fever-infantile enterocolitis-autoinflammatory syndrome. Also called: Autoinflammation with infantile enterocolitis. Identifiers: Orphanet 436166, MedGen C4015067, MONDO:0014472, OMIM 616050.
Familial cold autoinflammatory syndrome 4 (FCAS4). Identifiers: Orphanet 47045, Orphanet 576349, MedGen C4015276, MONDO:0014498, OMIM 616115.

Allele frequency attached by ClinVar (database versions not stated): 1000 Genomes Project 30x 0.00047; 1000 Genomes Project 0.00060; gnomAD 0.00120 and 0.00124; ESP Exome Variant Server 0.00131; TOPMed 0.00146; gnomAD exomes 0.00151 and 0.00202; ExAC 0.00172.
gnomAD v4.1: 2,489 of 1,614,130 alleles (0.15%); highest among the groups gnomAD compares: Middle Eastern, 1.1%; 9 homozygotes.

Submissions (9):

Labcorp Genetics (formerly Invitae), Labcorp
Classification: Benign for Periodic fever-infantile enterocolitis-autoinflammatory syndrome; Familial cold autoinflammatory syndrome 4. Last evaluated: 2026-02-01. Review status: criteria provided, single submitter. Criteria: Invitae Variant Classification Sherloc (09022015). Collection method: clinical testing. Allele origin: germline.

CeGaT Center for Human Genetics Tuebingen
Classification: Likely benign. Last evaluated: 2025-09-01. Review status: criteria provided, single submitter. Criteria: CeGaT Center For Human Genetics Tuebingen Variant Classification Criteria Version 2. Collection method: clinical testing. Allele origin: germline. Affected: yes. Observed: 9 variant alleles.
Comment: NLRC4: BP4, BP7

Blueprint Genetics
Classification: Likely benign. Last evaluated: 2024-11-06. Review status: criteria provided, single submitter. Criteria: ACMG Guidelines, 2015. Collection method: clinical testing. Allele origin: germline.

Mayo Clinic Laboratories, Mayo Clinic
Classification: Benign. Last evaluated: 2021-05-18. Review status: criteria provided, single submitter. Criteria: ACMG Guidelines, 2015. Collection method: clinical testing. Allele origin: germline. Observed: 6 variant alleles.

Genome Diagnostics Laboratory, The Hospital for Sick Children
Classification: Benign for Autoinflammatory syndrome. Last evaluated: 2021-03-04. Review status: criteria provided, single submitter. Criteria: ACMG Guidelines, 2015. Collection method: clinical testing. Allele origin: germline. Affected: yes.

Laboratory for Molecular Medicine, Mass General Brigham Personalized Medicine
Classification: Likely benign. Last evaluated: 2016-03-29. Review status: criteria provided, single submitter. Criteria: LMM Criteria. Collection method: clinical testing. Allele origin: germline.
Comment: Variant identified in a genome or exome case(s) and assessed due to predicted null impact of the variant or pathogenic assertions in the literature or databases. Disclaimer: This variant has not undergone full assessment. The following are preliminary notes: Silent variant not near splice site

Breakthrough Genomics
Classification: Likely benign. Review status: criteria provided, single submitter. Criteria: ACMG Guidelines, 2015. Collection method: not provided. Allele origin: germline. Inheritance: Autosomal dominant inheritance. Affected: yes.

Clinical Genetics DNA and cytogenetics Diagnostics Lab, Erasmus MC, Erasmus Medical Center
Classification: Likely benign. Review status: no assertion criteria provided. Collection method: clinical testing. Allele origin: germline. Affected: yes. Study: VKGL Data-share Consensus. Not counted in ClinVar's aggregate classification.

Genome Diagnostics Laboratory, University Medical Center Utrecht
Classification: Benign. Review status: no assertion criteria provided. Collection method: clinical testing. Allele origin: germline. Affected: yes. Study: VKGL Data-share Consensus. Not counted in ClinVar's aggregate classification.